The following is an entry in ClinVar:

NM_001013838.3(CARMIL2):c.3683dup (p.Ala1229fs)

Gene: CARMIL2 (capping protein regulator and myosin 1 linker 2; plus strand). Cytogenetic location: 16q22.1.
Variant type: Duplication.
Coding change: c.3683dup on transcript NM_001013838.3 (MANE Select); coding-DNA position 3683, one base duplicated (G; older notation c.3683dupG).
Protein change: p.Ala1229fs; shifts the reading frame from alanine 1229.
Molecular consequence: frameshift variant.
Genome position (GRCh38, 1-based): chr16:67,654,878, G duplicated; the last of 5 consecutive G bases (chr16:67,654,874-67,654,878); duplicating any one gives the same sequence. VCF-style (leftmost placement, unchanged base first): chr16-67654873-C-CG. GRCh37 (hg19) VCF-style: chr16-67688776-C-CG.
Other names: c.3575dup, p.Ala1193fs (NM_001317026.3); short protein forms A1193fs, A1229fs.
Identifiers: ClinVar variation 3701828 (VCV003701828.2).

ClinVar aggregate classification (germline): Pathogenic (1 of 4 stars; one submission).

Submission:

Labcorp Genetics (formerly Invitae), Labcorp
Classification: Pathogenic. Last evaluated: 2024-07-30. Review status: criteria provided, single submitter. Criteria: Invitae Variant Classification Sherloc (09022015). Collection method: clinical testing. Allele origin: germline.
Comment: This sequence change creates a premature translational stop signal (p.Ala1229Cysfs*21) in the CARMIL2 gene. It is expected to result in an absent or disrupted protein product. Loss-of-function variants in CARMIL2 are known to be pathogenic (PMID: 27647349, 28112205). This variant is not present in population databases (gnomAD no frequency). This variant has not been reported in the literature in individuals affected with CARMIL2-related conditions. For these reasons, this variant has been classified as Pathogenic.

Literature cited by the submitters: PubMed 27647349; PubMed 28112205.